The following is an entry in ClinVar:

NM_001134831.2(AHI1):c.3178T>G (p.Tyr1060Asp)

Gene: AHI1 (Abelson helper integration site 1; minus strand). Cytogenetic location: 6q23.3.
Variant type: single nucleotide variant.
Coding change: c.3178T>G on transcript NM_001134831.2 (MANE Select); coding-DNA position 3178, T replaced by G.
Protein change: p.Tyr1060Asp; replaces tyrosine 1060 with aspartic acid.
Molecular consequence: missense variant.
Genome position (GRCh38, 1-based): chr6:135,323,312, A>C on the plus strand (T>G on the coding strand, the complement: AHI1 is on the minus strand). VCF-style: chr6-135323312-A-C. GRCh37 (hg19) VCF-style: chr6-135644450-A-C.
Other names: c.3178T>G, p.Tyr1060Asp (NM_001134830.2, NM_001350503.2, NM_001350504.2 and 1 more transcripts); short protein forms Y1060D.
Identifiers: ClinVar variation 2663388 (VCV002663388.1), dbSNP rs2483267816, ClinGen allele CA365845853.

ClinVar aggregate classification (germline): Uncertain significance (1 of 4 stars; one submission).

Submission:

GeneDx
Classification: Uncertain significance. Last evaluated: 2023-04-19. Review status: criteria provided, single submitter. Criteria: GeneDx Variant Classification Process June 2021. Collection method: clinical testing. Allele origin: germline. Affected: yes.
Comment: Not observed at significant frequency in large population cohorts (gnomAD); In silico analysis supports that this missense variant has a deleterious effect on protein structure/function; Has not been previously published as pathogenic or benign to our knowledge